The following is an entry in ClinVar:

NM_000264.5(PTCH1):c.394+4del

Gene: PTCH1 (patched 1; minus strand). Cytogenetic location: 9q22.32.
Variant type: Deletion.
Coding change: c.394+4del on transcript NM_000264.5 (MANE Select); 4 bases into the intron after coding-DNA position 394, one base deleted (A; older notation c.394+4delA).
Molecular consequence: intron variant.
Genome position (GRCh38, 1-based): chr9:95,506,403, T deleted on the plus strand (A on the coding strand, the reverse complement: PTCH1 is on the minus strand); the first of 2 consecutive T bases (chr9:95,506,403-95,506,404); deleting either gives the same sequence. VCF-style (leftmost placement, unchanged base first): chr9-95506402-CT-C. GRCh37 (hg19) VCF-style: chr9-98268684-CT-C.
Other names: c.391+4del (NM_001083603.3); c.196+4del (NM_001083602.3, NM_001354919.2); c.394+4del (NM_001354918.2); c.-60+4del (NM_001083605.3, NM_001083604.3, NM_001083606.3 and 1 more transcripts).
Identifiers: ClinVar variation 3231034 (VCV003231034.2), dbSNP rs2538381518, ClinGen allele CA2825001646.

ClinVar aggregate classification (germline): Likely pathogenic (1 of 4 stars; one submission).

Conditions:
Hereditary cancer-predisposing syndrome. Also called: Neoplastic Syndromes, Hereditary; Tumor predisposition; Hereditary neoplastic syndrome; Hereditary Cancer Syndrome. Identifiers: Orphanet 140162, MedGen C0027672, MeSH D009386, MONDO:0015356.

Submission:

Ambry Genetics
Classification: Likely pathogenic for Hereditary cancer-predisposing syndrome. Last evaluated: 2024-04-03. Review status: criteria provided, single submitter. Criteria: Ambry Variant Classification Scheme 2023. Collection method: clinical testing. Allele origin: germline.
Comment: The c.394+4delA intronic variant, located in intron 2 of the PTCH1 gene, results from a deletion of one nucleotide within intron 2 of the PTCH1 gene. This nucleotide position is highly conserved in available vertebrate species. In silico splice site analysis predicts that this alteration may weaken the native splice donor site. RNA studies have demonstrated that this alteration results in abnormal splicing in the set of samples tested (Ambry internal data). This variant is considered to be rare based on population cohorts in the Genome Aggregation Database (gnomAD). Based on the majority of available evidence to date, this variant is likely to be pathogenic.